The following is an entry in ClinVar:

ClinVar aggregate classification (germline): Uncertain significance (1 of 4 stars; one submission).

Conditions:
Alpha thalassemia-X-linked intellectual disability syndrome (ATRX). Also called: ATR-X syndrome; Alpha thalassemia mental retardation syndrome, nondeletion type, X-linked; XLMR hypotonic face syndrome; X-linked alpha-thalassemia-mental retardation syndrome; ALPHA-THALASSEMIA/IMPAIRED INTELLECTUAL DEVELOPMENT SYNDROME, X-LINKED; ALPHA-THALASSEMIA/MENTAL RETARDATION SYNDROME, X-LINKED. Identifiers: Orphanet 847, MedGen C1845055, MONDO:0010519, OMIM 301040.

gnomAD v4.1: 1 of 1,205,559 alleles (0.000083%); highest among the groups gnomAD compares: Non-Finnish European, 0.00011%; no homozygotes.

Submission:

Labcorp Genetics (formerly Invitae), Labcorp
Classification: Uncertain significance for Alpha thalassemia-X-linked intellectual disability syndrome. Last evaluated: 2020-12-02. Review status: criteria provided, single submitter. Criteria: Invitae Variant Classification Sherloc (09022015). Collection method: clinical testing. Allele origin: germline.
Comment: In summary, the available evidence is currently insufficient to determine the role of this variant in disease. Therefore, it has been classified as a Variant of Uncertain Significance. Advanced modeling of protein sequence and biophysical properties (such as structural, functional, and spatial information, amino acid conservation, physicochemical variation, residue mobility, and thermodynamic stability) performed at Invitae indicates that this missense variant is expected to disrupt ATRX protein function. This variant has not been reported in the literature in individuals with ATRX-related conditions. This variant is not present in population databases (ExAC no frequency). This sequence change replaces lysine with arginine at codon 2158 of the ATRX protein (p.Lys2158Arg). The lysine residue is highly conserved and there is a small physicochemical difference between lysine and arginine.

NM_000489.6(ATRX):c.6473A>G (p.Lys2158Arg)

Gene: ATRX (ATRX chromatin remodeler; minus strand). Cytogenetic location: Xq21.1.
Variant type: single nucleotide variant.
Coding change: c.6473A>G on transcript NM_000489.6 (MANE Select); coding-DNA position 6473, A replaced by G.
Protein change: p.Lys2158Arg; replaces lysine 2158 with arginine.
Molecular consequence: missense variant.
Genome position (GRCh38, 1-based): chrX:77,558,700, T>C on the plus strand (A>G on the coding strand, the complement: ATRX is on the minus strand). VCF-style: chrX-77558700-T-C. GRCh37 (hg19) VCF-style: chrX-76814171-T-C.
Other names: c.6359A>G, p.Lys2120Arg (NM_138270.5); short protein forms K2120R, K2158R.
Identifiers: ClinVar variation 1352663 (VCV001352663.8), dbSNP rs2147947274, ClinGen allele CA413699036.
Genomic context (GRCh38, chrX:77,558,700, plus strand): 5'-CAATATGAAAAAGAGAATTATAAACCTACCTGAGCTAAGAACCTATATACATAAACAGGC[T>C]TAGTTTGTCCAAAGCGATAAACTCTGAATATACTCTGGATGTCATAAGATGGATTCCAAG-3'
Protein context (NP_000480.3, residues 2148-2168): IFRVYRFGQT[Lys2158Arg]PVYVYRFLAQ